The following is an entry in ClinVar:

NM_198253.3(TERT):c.1873C>A (p.Pro625Thr)

Gene: TERT (telomerase reverse transcriptase; minus strand). Cytogenetic location: 5p15.33.
Variant type: single nucleotide variant.
Coding change: c.1873C>A on transcript NM_198253.3 (MANE Select); coding-DNA position 1873, C replaced by A.
Protein change: p.Pro625Thr; replaces proline 625 with threonine.
Molecular consequence: missense variant. On other transcripts: non-coding transcript variant (2).
Genome position (GRCh38, 1-based): chr5:1,280,235, G>T on the plus strand (C>A on the coding strand, the complement: TERT is on the minus strand). VCF-style: chr5-1280235-G-T. GRCh37 (hg19) VCF-style: chr5-1280350-G-T.
Other names: c.1873C>A, p.Pro625Thr (NM_001193376.3); short protein forms P625T.
Identifiers: ClinVar variation 1039171 (VCV001039171.9), dbSNP rs1749928062, ClinGen allele CA359081632.
Genomic context (GRCh38, chr5:1,280,235, plus strand): 5'-ACGTTCTGGCTCCCACGACGTAGTCCATGTTCACAATCGGCCGCAGCCCGTCAGGCTTGG[G>T]GATGAAGCGGAGTCTGGACGTCAGCAGGGCGGGCCTGGCTTCCCGATGCTGCCTGACCTC-3'
Protein context (NP_937983.2, residues 615-635): ALLTSRLRFI[Pro625Thr]KPDGLRPIVN

ClinVar aggregate classification (germline): Uncertain significance (1 of 4 stars; one submission).

Conditions:
Dyskeratosis congenita, autosomal dominant 2. Identifiers: MedGen C3151443, MONDO:0013521, OMIM 613989.
Idiopathic Pulmonary Fibrosis. Also called: Idiopathic fibrosing alveolitis, chronic form; idiopathic fibrosing alveolitis. Identifiers: Orphanet 2032, MedGen C1800706, MeSH D054990, MONDO:0800504.

Submission:

Labcorp Genetics (formerly Invitae), Labcorp
Classification: Uncertain significance for Dyskeratosis congenita, autosomal dominant 2; Idiopathic Pulmonary Fibrosis. Last evaluated: 2022-02-18. Review status: criteria provided, single submitter. Criteria: Invitae Variant Classification Sherloc (09022015). Collection method: clinical testing. Allele origin: germline.
Comment: In summary, the available evidence is currently insufficient to determine the role of this variant in disease. Therefore, it has been classified as a Variant of Uncertain Significance. Advanced modeling of protein sequence and biophysical properties (such as structural, functional, and spatial information, amino acid conservation, physicochemical variation, residue mobility, and thermodynamic stability) performed at Invitae indicates that this missense variant is expected to disrupt TERT protein function. ClinVar contains an entry for this variant (Variation ID: 1039171). This variant has not been reported in the literature in individuals affected with TERT-related conditions. This variant is not present in population databases (gnomAD no frequency). This sequence change replaces proline, which is neutral and non-polar, with threonine, which is neutral and polar, at codon 625 of the TERT protein (p.Pro625Thr).